The following is an entry in ClinVar:

ClinVar aggregate classification (germline): Uncertain significance. Review status: criteria provided, multiple submitters, no conflicts (2 of 4 stars). 2 submissions from 2 submitters: Uncertain significance (2). Last evaluated 2021-09-01.

Conditions:
Neuromuscular disease caused by qualitative or quantitative defects of dysferlin. Also called: Dysferlinopathy; Qualitative or quantitative defects of dysferlin. Identifiers: Orphanet 207073, MedGen C2931687, MONDO:0016145.

gnomAD v4.1: 18 of 1,612,738 alleles (0.0011%); highest among the groups gnomAD compares: Non-Finnish European, 0.0015%; no homozygotes.

Submissions (2):

Labcorp Genetics (formerly Invitae), Labcorp
Classification: Uncertain significance for Neuromuscular disease caused by qualitative or quantitative defects of dysferlin. Last evaluated: 2021-09-01. Review status: criteria provided, single submitter. Criteria: Invitae Variant Classification Sherloc (09022015). Collection method: clinical testing. Allele origin: germline.
Comment: This sequence change replaces proline with threonine at codon 496 of the DYSF protein (p.Pro496Thr). The proline residue is weakly conserved and there is a small physicochemical difference between proline and threonine. This variant is present in population databases (rs368577086, ExAC 0.009%). This variant has not been reported in the literature in individuals affected with DYSF-related conditions. Algorithms developed to predict the effect of missense changes on protein structure and function (SIFT, PolyPhen-2, Align-GVGD) all suggest that this variant is likely to be tolerated. In summary, the available evidence is currently insufficient to determine the role of this variant in disease. Therefore, it has been classified as a Variant of Uncertain Significance.

Revvity Omics, Revvity
Classification: Uncertain significance. Last evaluated: 2019-02-01. Review status: criteria provided, single submitter. Criteria: ACMG Guidelines, 2015. Collection method: clinical testing. Allele origin: germline.

NM_003494.4(DYSF):c.1486C>A (p.Pro496Thr)

Gene: DYSF (dysferlin; plus strand). Cytogenetic location: 2p13.2.
Variant type: single nucleotide variant.
Coding change: c.1486C>A on transcript NM_003494.4 (MANE Plus Clinical); coding-DNA position 1486, C replaced by A.
Protein change: p.Pro496Thr; replaces proline 496 with threonine.
Molecular consequence: missense variant. On other transcripts: intron variant (8).
Genome position (GRCh38, 1-based): chr2:71,549,355, C>A. VCF-style: chr2-71549355-C-A. GRCh37 (hg19) VCF-style: chr2-71776485-C-A.
Other names: c.1577-1686C>A (NM_001130987.2, NM_001130985.2); c.1484-1686C>A (NM_001130984.2, NM_001130986.2); c.1489C>A, p.Pro497Thr (NM_001130455.2, NM_001130983.2); c.1486C>A, p.Pro496Thr (NM_001130978.2); c.1579C>A, p.Pro527Thr (NM_001130979.2); c.1582C>A, p.Pro528Thr (NM_001130982.2); c.1574-1686C>A (NM_001130981.2, NM_001130980.2); c.1481-1686C>A (NM_001130977.2, NM_001130976.2); and 1 more; short protein forms P496T, P497T, P527T, P528T.
Identifiers: ClinVar variation 1063883 (VCV001063883.5), dbSNP rs368577086, ClinGen allele CA1705839.